The following is an entry in ClinVar:

NM_006269.2(RP1):c.1180A>G (p.Met394Val)

Gene: RP1 (RP1 axonemal microtubule associated; plus strand). Cytogenetic location: 8q12.1.
Variant type: single nucleotide variant.
Coding change: c.1180A>G on transcript NM_006269.2 (MANE Select); coding-DNA position 1180, A replaced by G.
Protein change: p.Met394Val; replaces methionine 394 with valine.
Molecular consequence: missense variant. On other transcripts: intron variant (1).
Genome position (GRCh38, 1-based): chr8:54,625,062, A>G. VCF-style: chr8-54625062-A-G. GRCh37 (hg19) VCF-style: chr8-55537622-A-G.
Other names: c.1180A>G (NM_006269.1); c.787+2774A>G (NM_001375654.1); short protein forms M394V.
Identifiers: ClinVar variation 1464825 (VCV001464825.8), dbSNP rs763523179, ClinGen allele CA4751331.

ClinVar aggregate classification (germline): Uncertain significance. Review status: criteria provided, multiple submitters, no conflicts (2 of 4 stars). 3 submissions from 3 submitters: Uncertain significance (3). Last evaluated 2025-07-29.

Conditions:
RP1-related disorder. Also called: RP1-related condition.
Inborn genetic diseases. Identifiers: MedGen C0950123, MeSH D030342.

Allele frequency attached by ClinVar (database versions not stated): ExAC 0.00002; gnomAD exomes 0.00005.
gnomAD v4.1: 16 of 1,614,202 alleles (0.00099%); highest among the groups gnomAD compares: East Asian, 0.013%; no homozygotes.

Submissions (3):

PreventionGenetics, part of Exact Sciences
Classification: Uncertain significance for RP1-related condition. Last evaluated: 2025-07-29. Review status: criteria provided, single submitter. Criteria: ACMG Guidelines, 2015. Collection method: clinical testing. Allele origin: germline.
Comment: The RP1 c.1180A>G variant is predicted to result in the amino acid substitution p.Met394Val. To our knowledge, this variant has not been reported in the literature. This variant is reported in 0.043% of alleles in individuals of East Asian descent in gnomAD. At this time, the clinical significance of this variant is uncertain due to the absence of conclusive functional and genetic evidence.

Ambry Genetics
Classification: Uncertain significance for Inborn genetic diseases. Last evaluated: 2024-02-17. Review status: criteria provided, single submitter. Criteria: Ambry Variant Classification Scheme 2023. Collection method: clinical testing. Allele origin: germline.

Labcorp Genetics (formerly Invitae), Labcorp
Classification: Uncertain significance. Last evaluated: 2022-07-19. Review status: criteria provided, single submitter. Criteria: Invitae Variant Classification Sherloc (09022015). Collection method: clinical testing. Allele origin: germline.
Comment: In summary, the available evidence is currently insufficient to determine the role of this variant in disease. Therefore, it has been classified as a Variant of Uncertain Significance. Algorithms developed to predict the effect of missense changes on protein structure and function are either unavailable or do not agree on the potential impact of this missense change (SIFT: "Deleterious"; PolyPhen-2: "Benign"; Align-GVGD: "Class C0"). ClinVar contains an entry for this variant (Variation ID: 1464825). This variant has not been reported in the literature in individuals affected with RP1-related conditions. This variant is present in population databases (rs763523179, gnomAD 0.05%). This sequence change replaces methionine, which is neutral and non-polar, with valine, which is neutral and non-polar, at codon 394 of the RP1 protein (p.Met394Val).